The following is an entry in ClinVar:

ClinVar aggregate classification (germline): Uncertain significance. Review status: criteria provided, multiple submitters, no conflicts (2 of 4 stars). 3 submissions from 3 submitters: Uncertain significance (3). Last evaluated 2022-11-29.

Conditions:
Epilepsy, X-linked 1, with variable learning disabilities and behavior disorders. Also called: X-linked epilepsy-learning disabilities-behavior disorders syndrome. Identifiers: Orphanet 85294, MedGen C5774177, MONDO:0010339, OMIM 300491.

Allele frequency attached by ClinVar (database versions not stated): ExAC below 0.00001; gnomAD exomes below 0.00001; TOPMed 0.00004; gnomAD 0.00005; 1000 Genomes Project 0.00026; 1000 Genomes Project 30x 0.00042.
gnomAD v4.1: 10 of 1,146,915 alleles (0.00087%); highest among the groups gnomAD compares: African/African-American, 0.015%; no homozygotes.

Submissions (3):

Labcorp Genetics (formerly Invitae), Labcorp
Classification: Uncertain significance for Epilepsy, X-linked 1, with variable learning disabilities and behavior disorders. Last evaluated: 2022-11-29. Review status: criteria provided, single submitter. Criteria: Invitae Variant Classification Sherloc (09022015). Collection method: clinical testing. Allele origin: germline.
Comment: In summary, the available evidence is currently insufficient to determine the role of this variant in disease. Therefore, it has been classified as a Variant of Uncertain Significance. Algorithms developed to predict the effect of missense changes on protein structure and function are either unavailable or do not agree on the potential impact of this missense change (SIFT: "Tolerated"; PolyPhen-2: "Not Available"; Align-GVGD: "Class C0"). ClinVar contains an entry for this variant (Variation ID: 207477). This variant has not been reported in the literature in individuals affected with SYN1-related conditions. This variant is present in population databases (rs749342768, gnomAD 0.009%). This sequence change replaces glycine, which is neutral and non-polar, with glutamic acid, which is acidic and polar, at codon 654 of the SYN1 protein (p.Gly654Glu).

Fulgent Genetics
Classification: Uncertain significance for Epilepsy, X-linked 1, with variable learning disabilities and behavior disorders. Last evaluated: 2018-10-31. Review status: criteria provided, single submitter. Criteria: ACMG Guidelines, 2015. Collection method: clinical testing. Allele origin: unknown.

GeneDx
Classification: Uncertain significance. Last evaluated: 2014-07-08. Review status: criteria provided, single submitter. Criteria: GeneDx Variant Classification (06012015). Collection method: clinical testing. Allele origin: germline. Affected: yes.
Comment: p.Gly654Glu (GGA>GAA): c.1961 G>A in exon 12 of the SYN1 gene (NM_133499.2) A variant of unknown significance has been identified in the SYN1 gene. The G654E variant has not been published as a mutation, nor has it been reported as a benign polymorphism to our knowledge. It was not observed in approximately 5,800 individuals of European and African American ancestry in the NHLBI Exome Sequencing Project, indicating it is not a common benign variant in these populations. The G654E variant is a non-conservative amino acid substitution, which is likely to impact secondary protein structure as these residues differ in polarity, charge, size and/or other properties. However, this substitution occurs at a position that is not conserved across species, and in silico analysis predicts this variant likely does not alter the protein structure/function. Therefore, based on the currently available information, it is unclear whether this variant is a pathogenic mutation or a rare benign variant. The variant is found in EPILEPSY panel(s).

NM_006950.3(SYN1):c.1961G>A (p.Gly654Glu)

Gene: SYN1 (synapsin I; minus strand). Cytogenetic location: Xp11.3.
Variant type: single nucleotide variant.
Coding change: c.1961G>A on transcript NM_006950.3 (MANE Select); coding-DNA position 1961, G replaced by A.
Protein change: p.Gly654Glu; replaces glycine 654 with glutamic acid.
Molecular consequence: missense variant.
Genome position (GRCh38, 1-based): chrX:47,574,023, C>T on the plus strand (G>A on the coding strand, the complement: SYN1 is on the minus strand). VCF-style: chrX-47574023-C-T. GRCh37 (hg19) VCF-style: chrX-47433422-C-T.
Other names: p.G654E:GGA>GAA; c.1961G>A, p.Gly654Glu (NM_133499.2); short protein forms G654E.
Identifiers: ClinVar variation 207477 (VCV000207477.13), dbSNP rs749342768, ClinGen allele CA318970.
Genomic context (GRCh38, chrX:47,574,023, plus strand): 5'-TGAGCAGCAAGGCGAAGGCTGCTGTAGGGGTCCCCTTACTTGAGCTGGGGGTGCGGAGGT[C>T]CCCCTGCAGCGGCGGTGGCGGGTGGCGGCACGTCCTGGCTGGGTTTCTGGGCCAGCTGTG-3'
Protein context (NP_008881.2, residues 644-664): VPPPATAAAG[Gly654Glu]PPHPQLNKSQ